The following is an entry in ClinVar:

NM_014780.5(CUL7):c.3877G>A (p.Gly1293Ser)

Gene: CUL7 (cullin 7; minus strand). Cytogenetic location: 6p21.1.
Variant type: single nucleotide variant.
Coding change: c.3877G>A on transcript NM_014780.5 (MANE Select); coding-DNA position 3877, G replaced by A.
Protein change: p.Gly1293Ser; replaces glycine 1293 with serine.
Molecular consequence: missense variant.
Genome position (GRCh38, 1-based): chr6:43,040,676, C>T on the plus strand (G>A on the coding strand, the complement: CUL7 is on the minus strand). VCF-style: chr6-43040676-C-T. GRCh37 (hg19) VCF-style: chr6-43008414-C-T.
Other names: c.3973G>A, p.Gly1325Ser (NM_001168370.2, NM_001374872.1); c.3877G>A, p.Gly1293Ser (NM_001374873.1); c.3874G>A, p.Gly1292Ser (NM_001374874.1); short protein forms G1293S, G1292S, G1325S.
Identifiers: ClinVar variation 1907393 (VCV001907393.2), dbSNP rs751536179, ClinGen allele CA3813362.

ClinVar aggregate classification (germline): Uncertain significance (1 of 4 stars; one submission).

Allele frequency attached by ClinVar (database versions not stated): gnomAD 0.00001; TOPMed 0.00001; ExAC 0.00007.
gnomAD v4.1: 50 of 1,614,042 alleles (0.0031%); highest among the groups gnomAD compares: East Asian, 0.051%; no homozygotes.

Submission:

Labcorp Genetics (formerly Invitae), Labcorp
Classification: Uncertain significance. Last evaluated: 2022-03-20. Review status: criteria provided, single submitter. Criteria: Invitae Variant Classification Sherloc (09022015). Collection method: clinical testing. Allele origin: germline.
Comment: This sequence change replaces glycine, which is neutral and non-polar, with serine, which is neutral and polar, at codon 1293 of the CUL7 protein (p.Gly1293Ser). This variant is present in population databases (rs751536179, gnomAD 0.08%). This variant has not been reported in the literature in individuals affected with CUL7-related conditions. Algorithms developed to predict the effect of missense changes on protein structure and function (SIFT, PolyPhen-2, Align-GVGD) all suggest that this variant is likely to be disruptive. Algorithms developed to predict the effect of sequence changes on RNA splicing suggest that this variant may create or strengthen a splice site. In summary, the available evidence is currently insufficient to determine the role of this variant in disease. Therefore, it has been classified as a Variant of Uncertain Significance.